The following is an entry in ClinVar:

NM_057175.5(NAA15):c.1630C>G (p.Leu544Val)

Gene: NAA15 (N-alpha-acetyltransferase 15, NatA auxiliary subunit; plus strand). Cytogenetic location: 4q31.1.
Variant type: single nucleotide variant.
Coding change: c.1630C>G on transcript NM_057175.5 (MANE Select); coding-DNA position 1630, C replaced by G.
Protein change: p.Leu544Val; replaces leucine 544 with valine.
Molecular consequence: missense variant.
Genome position (GRCh38, 1-based): chr4:139,361,814, C>G. VCF-style: chr4-139361814-C-G. GRCh37 (hg19) VCF-style: chr4-140282968-C-G.
Other names: c.1630C>G, p.Leu544Val (NM_001410842.1); short protein forms L544V.
Identifiers: ClinVar variation 3641831 (VCV003641831.2).
Genomic context (GRCh38, chr4:139,361,814, plus strand): 5'-GACTTTCATACATACTGTATGAGGAAGATTACCCTTAGATCATATGTGGACTTATTAAAA[C>G]TAGAAGATGTACTTCGACAGCATCCATTTTACTTCAAGGCAGCAAGAATTGCTATAGAGA-3'
Protein context (NP_476516.1, residues 534-554): TLRSYVDLLK[Leu544Val]EDVLRQHPFY

ClinVar aggregate classification (germline): Uncertain significance (1 of 4 stars; one submission).

Submission:

Labcorp Genetics (formerly Invitae), Labcorp
Classification: Uncertain significance. Last evaluated: 2024-02-18. Review status: criteria provided, single submitter. Criteria: Invitae Variant Classification Sherloc (09022015). Collection method: clinical testing. Allele origin: germline.
Comment: This sequence change replaces leucine, which is neutral and non-polar, with valine, which is neutral and non-polar, at codon 544 of the NAA15 protein (p.Leu544Val). This variant is not present in population databases (gnomAD no frequency). This variant has not been reported in the literature in individuals affected with NAA15-related conditions. An algorithm developed to predict the effect of missense changes on protein structure and function (PolyPhen-2) suggests that this variant is likely to be disruptive. In summary, the available evidence is currently insufficient to determine the role of this variant in disease. Therefore, it has been classified as a Variant of Uncertain Significance.